The following is an entry in ClinVar:

ClinVar aggregate classification (germline): Likely benign (1 of 4 stars; one submission).

Allele frequency attached by ClinVar (database versions not stated): 1000 Genomes Project 0.00100; 1000 Genomes Project 30x 0.00125; TOPMed 0.00345; ESP Exome Variant Server 0.00454; gnomAD 0.00462; ExAC 0.00484; gnomAD exomes 0.00615.
gnomAD v4.1: 9,603 of 1,614,078 alleles (0.59%); highest among the groups gnomAD compares: Non-Finnish European, 0.73%; 53 homozygotes.

Submission:

CeGaT Center for Human Genetics Tuebingen
Classification: Likely benign. Last evaluated: 2022-12-01. Review status: criteria provided, single submitter. Criteria: CeGaT Center For Human Genetics Tuebingen Variant Classification Criteria Version 2. Collection method: clinical testing. Allele origin: germline. Affected: yes. Observed: 1 variant allele.
Comment: WWC1: BP4, BP7, BS2

NM_015238.3(WWC1):c.1614C>T (p.Ser538=)

Gene: WWC1 (WW and C2 domain containing 1; plus strand). Cytogenetic location: 5q34.
Variant type: single nucleotide variant.
Coding change: c.1614C>T on transcript NM_015238.3 (MANE Select); coding-DNA position 1614, C replaced by T.
Protein change: p.Ser538=; no amino-acid change (serine 538 retained).
Molecular consequence: synonymous variant.
Genome position (GRCh38, 1-based): chr5:168,423,872, C>T. VCF-style: chr5-168423872-C-T. GRCh37 (hg19) VCF-style: chr5-167850877-C-T.
Other names: c.1614C>T, p.Ser538= (NM_001161661.2, NM_001161662.2).
Identifiers: ClinVar variation 2656037 (VCV002656037.24), dbSNP rs139884736, ClinGen allele CA3548811.